The following is an entry in ClinVar:

NM_153700.2(STRC):c.1999_2000del (p.Gly667fs)

Gene: STRC (stereocilin; minus strand). Cytogenetic location: 15q15.3.
Variant type: Deletion.
Coding change: c.1999_2000del on transcript NM_153700.2 (MANE Select); coding-DNA positions 1999 to 2000, 2 bases deleted (GG; older notation c.1999_2000delGG).
Protein change: p.Gly667fs; shifts the reading frame from glycine 667.
Molecular consequence: frameshift variant.
Genome position (GRCh38, 1-based): chr15:43,615,566-43,615,567, CC deleted on the plus strand (GG on the coding strand, the reverse complement: STRC is on the minus strand); deleting any 2 consecutive bases within chr15:43,615,566-43,615,568 gives the same sequence; the c. name uses the placement nearest the transcript's 3' end. VCF-style (leftmost placement, unchanged base first): chr15-43615565-GCC-G. GRCh37 (hg19) VCF-style: chr15-43907763-GCC-G.
Other names: short protein forms G667fs.
Identifiers: ClinVar variation 4849993 (VCV004849993.1).

ClinVar aggregate classification (germline): Likely pathogenic (1 of 4 stars; one submission).

Conditions:
Autosomal recessive nonsyndromic hearing loss 16. Also called: DEAFNESS, AUTOSOMAL RECESSIVE 16; DFNB16 Nonsyndromic Hearing Loss and Deafness. Identifiers: Orphanet 90636, MedGen C1863561, MONDO:0011364, OMIM 603720.

Submission:

Variantyx, Inc.
Classification: Likely pathogenic for Autosomal recessive nonsyndromic hearing loss 16. Last evaluated: 2025-05-04. Review status: criteria provided, single submitter. Criteria: Variantyx Assertion Criteria 2022. Collection method: clinical testing. Allele origin: germline. Inheritance: Autosomal recessive inheritance. Affected: yes.
Comment: This is a frameshift variant in the STRC gene (OMIM: 606440). Pathogenic variants in this gene have been associated with autosomal recessive deafness 16. This variant introduces a premature termination codon in exon 4 out of 29 and is expected to result in loss of function, which is a known disease mechanism for STRC in this disorder (PVS1) (PMID:11687802). This variant is absent from control populations (PM2) and it has not been reported in individuals with STRC-related disorders in the databases available for review. Based on the current evidence, this variant is classified as likely pathogenic for autosomal recessive deafness 16.

Literature cited by the submitters: PubMed 11687802.